The following is an entry in ClinVar:

NM_007294.4(BRCA1):c.4987del (p.Met1663fs)

Gene: BRCA1 (BRCA1 DNA repair associated; minus strand). Cytogenetic location: 17q21.31.
Variant type: Deletion.
Coding change: c.4987del on transcript NM_007294.4 (MANE Select); coding-DNA position 4987, one base deleted (A; older notation c.4987delA).
Protein change: p.Met1663fs; shifts the reading frame from methionine 1663.
Molecular consequence: frameshift variant. On other transcripts: non-coding transcript variant (1).
Genome position (GRCh38, 1-based): chr17:43,067,695, T deleted on the plus strand (A on the coding strand, the reverse complement: BRCA1 is on the minus strand). VCF-style (leftmost placement, unchanged base first): chr17-43067694-AT-A. GRCh37 (hg19) VCF-style: chr17-41219711-AT-A.
Other names: c.1552delA, p.Met518Cysfs (NM_001408432.1, NM_001408433.1, NM_001408434.1 and 10 more transcripts); c.1549delA, p.Met517Cysfs (NM_001408445.1, NM_001408446.1, NM_001408447.1 and 2 more transcripts); c.1543delA, p.Met515Cysfs (NM_001408451.1); c.1537delA, p.Met513Cysfs (NM_001408452.1, NM_001408453.1, NM_001408454.1 and 3 more transcripts); c.1534delA, p.Met512Cysfs (NM_001408458.1, NM_001408459.1, NM_001408460.1 and 7 more transcripts); c.1531delA, p.Met511Cysfs (NM_001408468.1, NM_001408469.1, NM_001408470.1); c.1675delA, p.Met559Cysfs (NM_001408472.1, NM_007298.4, NM_007304.2 and 12 more transcripts); c.1672delA, p.Met558Cysfs (NM_001408473.1, NM_001408392.1, NM_001408396.1 and 8 more transcripts); and 73 more; short protein forms M1616fs, M1663fs, M1684fs, M559fs.
Identifiers: ClinVar variation 267569 (VCV000267569.4), dbSNP rs886040912, ClinGen allele CA10602583.

ClinVar aggregate classification (germline): Pathogenic. Review status: reviewed by expert panel (3 of 4 stars). 2 submissions from 2 submitters: Pathogenic (1). 1 of the submissions does not count toward it. Last evaluated 2017-12-15.

Conditions:
Breast-ovarian cancer, familial, susceptibility to, 1 (BROVCA1). Also called: BRCA1 Hereditary Breast and Ovarian Cancer; OVARIAN CANCER, SUSCEPTIBILITY TO. Identifiers: Orphanet 145, MedGen C2676676, MONDO:0011450, OMIM 604370. Disease mechanism: loss of function.

Submissions (2):

Evidence-based Network for the Interpretation of Germline Mutant Alleles (ENIGMA)
Classification: Pathogenic for Breast-ovarian cancer, familial, susceptibility to, 1. Last evaluated: 2017-12-15. Review status: reviewed by expert panel. Criteria: ENIGMA BRCA1/2 Classification Criteria (2017-06-29). Collection method: curation. Allele origin: germline. Study: ENIGMA.
Comment: Variant allele predicted to encode a truncated non-functional protein.

Consortium of Investigators of Modifiers of BRCA1/2 (CIMBA), c/o University of Cambridge
Classification: Pathogenic for Breast-ovarian cancer, familial, susceptibility to, 1. Last evaluated: 2015-10-02. Review status: criteria provided, single submitter. Criteria: CIMBA Mutation Classification guidelines May 2016. Collection method: clinical testing. Allele origin: germline. Not counted in ClinVar's aggregate classification.